The following is an entry in ClinVar:

NM_001719.3(BMP7):c.804C>T (p.His268=)

Gene: BMP7 (bone morphogenetic protein 7; minus strand). Cytogenetic location: 20q13.31.
Variant type: single nucleotide variant.
Coding change: c.804C>T on transcript NM_001719.3 (MANE Select); coding-DNA position 804, C replaced by T.
Protein change: p.His268=; no amino-acid change (histidine 268 retained).
Molecular consequence: synonymous variant.
Genome position (GRCh38, 1-based): chr20:57,183,876, G>A on the plus strand (C>T on the coding strand, the complement: BMP7 is on the minus strand). VCF-style: chr20-57183876-G-A. GRCh37 (hg19) VCF-style: chr20-55758932-G-A.
Identifiers: ClinVar variation 4986885 (VCV004986885.1).
Genomic context (GRCh38, chr20:57,183,876, plus strand): 5'-GAAGTGGACCTCCGTGGCCTTGAAGAAAGCCACCATGAAGGGCTGCTTGTTCTGGGGCCC[G>A]TGCCGCCCAATCAGGCCCGCCAACTTGGGGTTGATGCTCTGCCCTGGACAGGAAGCAGCC-3'
Protein context (NP_001710.1, residues 258-278): NPKLAGLIGR[His268=]GPQNKQPFMV

ClinVar aggregate classification (germline): Likely benign (1 of 4 stars; one submission).

Conditions:
BMP7-related disorder. Also called: BMP7-related condition.

gnomAD v4.1: 31 of 1,613,950 alleles (0.0019%); highest among the groups gnomAD compares: East Asian, 0.025%; no homozygotes.

Submission:

PreventionGenetics, part of Exact Sciences
Classification: Likely benign for BMP7-related condition. Last evaluated: 2026-05-01. Review status: criteria provided, single submitter. Criteria: ACMG Guidelines, 2015. Collection method: clinical testing. Allele origin: germline.
Comment: This variant is classified as likely benign based on ACMG/AMP sequence variant interpretation guidelines (Richards et al. 2015 PMID: 25741868, with internal and published modifications).